The following is an entry in ClinVar:

NM_000719.7(CACNA1C):c.4801C>A (p.Leu1601Met)

Gene: CACNA1C (calcium voltage-gated channel subunit alpha1 C; plus strand). Cytogenetic location: 12p13.33.
Variant type: single nucleotide variant.
Coding change: c.4801C>A on transcript NM_000719.7 (MANE Select); coding-DNA position 4801, C replaced by A.
Protein change: p.Leu1601Met; replaces leucine 1601 with methionine.
Molecular consequence: missense variant.
Genome position (GRCh38, 1-based): chr12:2,674,615, C>A. VCF-style: chr12-2674615-C-A. GRCh37 (hg19) VCF-style: chr12-2783781-C-A.
Other names: c.4945C>A, p.Leu1649Met (NM_001129827.2, NM_199460.4); c.4924C>A, p.Leu1642Met (NM_001129829.2); c.4801C>A, p.Leu1601Met (NM_001129830.3, NM_001129840.2, NM_001129841.2 and 4 more transcripts); c.4885C>A, p.Leu1629Met (NM_001129831.2); c.4861C>A, p.Leu1621Met (NM_001129832.2); c.4858C>A, p.Leu1620Met (NM_001129833.2, NM_001129834.2, NM_001129835.2); c.4852C>A, p.Leu1618Met (NM_001129836.2); c.4825C>A, p.Leu1609Met (NM_001129837.2, NM_001129838.2); and 3 more; short protein forms L1649M, L1590M, L1607M, L1618M, L1620M, L1629M, L1609M, L1621M.
Identifiers: ClinVar variation 5008412 (VCV005008412.1).

ClinVar aggregate classification (germline): Uncertain significance (1 of 4 stars; one submission).

Submission:

GeneDx
Classification: Uncertain significance. Last evaluated: 2026-03-05. Review status: criteria provided, single submitter. Criteria: GeneDx Variant Classification Process June 2021. Collection method: clinical testing. Allele origin: germline.
Comment: Not observed at significant frequency in large population cohorts (gnomAD); In silico analysis suggests that this missense variant does not alter protein structure/function; Has not been previously published as pathogenic or benign to our knowledge